The following is an entry in ClinVar:

NM_030973.4(MED25):c.1230+6G>A

Gene: MED25 (mediator complex subunit 25; plus strand). Cytogenetic location: 19q13.33.
Variant type: single nucleotide variant.
Coding change: c.1230+6G>A on transcript NM_030973.4 (MANE Select); 6 bases into the intron after coding-DNA position 1230, G replaced by A.
Molecular consequence: intron variant.
Genome position (GRCh38, 1-based): chr19:49,831,467, G>A. VCF-style: chr19-49831467-G-A. GRCh37 (hg19) VCF-style: chr19-50334724-G-A.
Other names: c.1230+6G>A (NM_001378355.1).
Identifiers: ClinVar variation 960131 (VCV000960131.9), dbSNP rs2074057196, ClinGen allele CA1139666534.

ClinVar aggregate classification (germline): Uncertain significance (1 of 4 stars; one submission).

Conditions:
Charcot-Marie-Tooth disease type 2. Also called: Charcot-Marie-Tooth type 2. Identifiers: Orphanet 64746, MedGen C0270914, MONDO:0018993.

Allele frequency attached by ClinVar (database versions not stated): gnomAD exomes below 0.00001.
gnomAD v4.1: 1 of 1,611,566 alleles (0.000062%); highest among the groups gnomAD compares: Non-Finnish European, 0.000085%; no homozygotes.

Submission:

Labcorp Genetics (formerly Invitae), Labcorp
Classification: Uncertain significance for Charcot-Marie-Tooth disease type 2. Last evaluated: 2019-08-25. Review status: criteria provided, single submitter. Criteria: Invitae Variant Classification Sherloc (09022015). Collection method: clinical testing. Allele origin: germline.
Comment: In summary, the available evidence is currently insufficient to determine the role of this variant in disease. Therefore, it has been classified as a Variant of Uncertain Significance. Nucleotide substitutions within the consensus splice site are a relatively common cause of aberrant splicing (PMID: 17576681, 9536098). Algorithms developed to predict the effect of sequence changes on RNA splicing suggest that this variant is not likely to affect RNA splicing, but this prediction has not been confirmed by published transcriptional studies. This variant has not been reported in the literature in individuals with MED25-related conditions. This variant is not present in population databases (ExAC no frequency). This sequence change falls in intron 10 of the MED25 gene. It does not directly change the encoded amino acid sequence of the MED25 protein, but it affects a nucleotide within the consensus splice site of the intron.

Literature cited by the submitters: PubMed 17576681; PubMed 9536098.